The following is an entry in ClinVar:

ClinVar aggregate classification (germline): Uncertain significance (1 of 4 stars; one submission).

Conditions:
Epileptic encephalopathy. Identifiers: MedGen C0543888, HP:0200134.

Allele frequency attached by ClinVar (database versions not stated): ExAC 0.00003; gnomAD 0.00003; TOPMed 0.00003.
gnomAD v4.1: 66 of 1,613,676 alleles (0.0041%); highest among the groups gnomAD compares: Non-Finnish European, 0.0055%; no homozygotes.

Submission:

Labcorp Genetics (formerly Invitae), Labcorp
Classification: Uncertain significance for Epileptic encephalopathy. Last evaluated: 2022-08-23. Review status: criteria provided, single submitter. Criteria: Invitae Variant Classification Sherloc (09022015). Collection method: clinical testing. Allele origin: germline.
Comment: Algorithms developed to predict the effect of missense changes on protein structure and function (SIFT, PolyPhen-2, Align-GVGD) all suggest that this variant is likely to be disruptive. This sequence change replaces proline, which is neutral and non-polar, with leucine, which is neutral and non-polar, at codon 2423 of the RYR3 protein (p.Pro2423Leu). This variant is present in population databases (rs747474248, gnomAD 0.005%). This variant has not been reported in the literature in individuals affected with RYR3-related conditions. ClinVar contains an entry for this variant (Variation ID: 847966). In summary, the available evidence is currently insufficient to determine the role of this variant in disease. Therefore, it has been classified as a Variant of Uncertain Significance.

NM_001036.6(RYR3):c.7268C>T (p.Pro2423Leu)

Gene: RYR3 (ryanodine receptor 3; plus strand). Cytogenetic location: 15q14.
Variant type: single nucleotide variant.
Coding change: c.7268C>T on transcript NM_001036.6 (MANE Select); coding-DNA position 7268, C replaced by T.
Protein change: p.Pro2423Leu; replaces proline 2423 with leucine.
Molecular consequence: missense variant.
Genome position (GRCh38, 1-based): chr15:33,731,538, C>T. VCF-style: chr15-33731538-C-T. GRCh37 (hg19) VCF-style: chr15-34023739-C-T.
Other names: c.7268C>T, p.Pro2423Leu (NM_001243996.4); short protein forms P2423L.
Identifiers: ClinVar variation 847966 (VCV000847966.9), dbSNP rs747474248, ClinGen allele CA7459837.
Genomic context (GRCh38, chr15:33,731,538, plus strand): 5'-CCCTAAGCACCACAGAGGCTGCGCTTGCACTAAATAGGTATATATGTTCTGCTGTGCTCC[C>T]GCTCCTCACAAGATGTGCCCCTCTCTTTGCCGGAACAGAACACTGCACCTCTCTGATTGA-3'
Protein context (NP_001027.3, residues 2413-2433): LNRYICSAVL[Pro2423Leu]LLTRCAPLFA